The following is an entry in ClinVar:

NM_005188.4(CBL):c.929C>T (p.Ala310Val)

Gene: CBL (Cbl proto-oncogene; plus strand). Cytogenetic location: 11q23.3.
Variant type: single nucleotide variant.
Coding change: c.929C>T on transcript NM_005188.4 (MANE Select); coding-DNA position 929, C replaced by T.
Protein change: p.Ala310Val; replaces alanine 310 with valine.
Molecular consequence: missense variant.
Genome position (GRCh38, 1-based): chr11:119,276,056, C>T. VCF-style: chr11-119276056-C-T. GRCh37 (hg19) VCF-style: chr11-119146766-C-T.
Other names: c.929C>T (NM_005188.2); short protein forms A310V.
Identifiers: ClinVar variation 1502497 (VCV001502497.7), dbSNP rs764199611, ClinGen allele CA6318388.

ClinVar aggregate classification (germline): Conflicting classifications of pathogenicity. Review status: criteria provided, conflicting classifications (1 of 4 stars). 2 submissions from 2 submitters: Uncertain significance (1); Likely benign (1). Last evaluated 2025-05-26.

Conditions:
RASopathy. Also called: rasopathies; Noonan spectrum disorder. Identifiers: Orphanet 536391, MedGen C5555857, MONDO:0021060.
Cardiovascular phenotype. Identifiers: MedGen CN230736.

Allele frequency attached by ClinVar (database versions not stated): gnomAD 0.00001; gnomAD exomes 0.00001 and 0.00002; ExAC 0.00002.

Submissions (2):

Ambry Genetics
Classification: Uncertain significance for Cardiovascular phenotype. Last evaluated: 2025-05-26. Review status: criteria provided, single submitter. Criteria: Ambry Variant Classification Scheme 2023. Collection method: clinical testing. Allele origin: germline.
Comment: The p.A310V variant (also known as c.929C>T), located in coding exon 6 of the CBL gene, results from a C to T substitution at nucleotide position 929. The alanine at codon 310 is replaced by valine, an amino acid with similar properties. This amino acid position is conserved. In addition, the in silico prediction for this alteration is inconclusive. Based on the available evidence, the clinical significance of this variant remains unclear.

Labcorp Genetics (formerly Invitae), Labcorp
Classification: Likely benign for RASopathy. Last evaluated: 2022-08-09. Review status: criteria provided, single submitter. Criteria: Invitae Variant Classification Sherloc (09022015). Collection method: clinical testing. Allele origin: germline.